The following is an entry in ClinVar:

NM_006846.4(SPINK5):c.3158G>A (p.Gly1053Glu)

Gene: SPINK5 (serine peptidase inhibitor Kazal type 5; plus strand). Cytogenetic location: 5q32.
Variant type: single nucleotide variant.
Coding change: c.3158G>A on transcript NM_006846.4 (MANE Select); coding-DNA position 3158, G replaced by A.
Protein change: p.Gly1053Glu; replaces glycine 1053 with glutamic acid.
Molecular consequence: missense variant.
Genome position (GRCh38, 1-based): chr5:148,133,859, G>A. VCF-style: chr5-148133859-G-A. GRCh37 (hg19) VCF-style: chr5-147513422-G-A.
Other names: c.3248G>A, p.Gly1083Glu (NM_001127698.2); short protein forms G1053E, G1083E.
Identifiers: ClinVar variation 2500091 (VCV002500091.1), dbSNP rs1192574452, ClinGen allele CA361652428.

ClinVar aggregate classification (germline): Uncertain significance (1 of 4 stars; one submission).

Conditions:
Netherton syndrome (NETH). Also called: NETHERTON DISEASE; ERYTHRODERMA, ICHTHYOSIFORM, WITH HYPOTRICHOSIS AND HYPER-IgE; COMEL-NETHERTON SYNDROME. Identifiers: Orphanet 634, MedGen C5574950, MONDO:0009735, OMIM 256500.

Allele frequency attached by ClinVar (database versions not stated): gnomAD exomes below 0.00001.
gnomAD v4.1: 2 of 1,613,916 alleles (0.00012%); highest among the groups gnomAD compares: Non-Finnish European, 0.00017%; no homozygotes.

Submission:

Center for Genomics, Ann and Robert H. Lurie Children's Hospital of Chicago
Classification: Uncertain significance for Netherton syndrome. Last evaluated: 2021-03-30. Review status: criteria provided, single submitter. Criteria: ACMG Guidelines, 2015. Collection method: clinical testing. Allele origin: germline.
Comment: SPINK5 NM_006846.3 exon 32 p.Gly1053Glu (c.3158G>A): This variant has not been reported in the literature but is present in 0.0008% (1/113270) of European alleles in the Genome Aggregation Database. This variant amino acid Glycine (Gly) is present in >35 species including mammals and is not well conserved among evolutionarily distant species; this suggests that this variant may not impact the protein. Additional computational prediction tools do not suggest an impact. In summary, data on this variant is insufficient for disease classification. Therefore, the clinical significance of this variant is uncertain.